The following is an entry in ClinVar:

NM_014149.4(WDR91):c.882C>T (p.Phe294=)

Gene: WDR91 (WD repeat domain 91; minus strand). Cytogenetic location: 7q33.
Variant type: single nucleotide variant.
Coding change: c.882C>T on transcript NM_014149.4 (MANE Select); coding-DNA position 882, C replaced by T.
Protein change: p.Phe294=; no amino-acid change (phenylalanine 294 retained).
Molecular consequence: synonymous variant. On other transcripts: non-coding transcript variant (2).
Genome position (GRCh38, 1-based): chr7:135,204,277, G>A on the plus strand (C>T on the coding strand, the complement: WDR91 is on the minus strand). VCF-style: chr7-135204277-G-A. GRCh37 (hg19) VCF-style: chr7-134889029-G-A.
Other names: c.882C>T, p.Phe294= (NM_001362736.2, NM_001362737.2); c.153C>T, p.Phe51= (NM_001362738.2).
Identifiers: ClinVar variation 2658005 (VCV002658005.24), dbSNP rs199762627, ClinGen allele CA4496544.

ClinVar aggregate classification (germline): Likely benign (1 of 4 stars; one submission).

Allele frequency attached by ClinVar (database versions not stated): TOPMed 0.00008; gnomAD exomes 0.00011; ExAC 0.00015; gnomAD 0.00015; 1000 Genomes Project 30x 0.00016; 1000 Genomes Project 0.00020.
gnomAD v4.1: 176 of 1,614,006 alleles (0.011%); highest among the groups gnomAD compares: South Asian, 0.064%; 3 homozygotes.

Submission:

CeGaT Center for Human Genetics Tuebingen
Classification: Likely benign. Last evaluated: 2023-08-01. Review status: criteria provided, single submitter. Criteria: CeGaT Center For Human Genetics Tuebingen Variant Classification Criteria Version 2. Collection method: clinical testing. Allele origin: germline. Affected: yes. Observed: 1 variant allele.
Comment: WDR91: BP4, BP7